The following is an entry in ClinVar:

ClinVar aggregate classification (germline): Uncertain significance (1 of 4 stars; one submission).

Submission:

Labcorp Genetics (formerly Invitae), Labcorp
Classification: Uncertain significance. Last evaluated: 2021-12-09. Review status: criteria provided, single submitter. Criteria: Invitae Variant Classification Sherloc (09022015). Collection method: clinical testing. Allele origin: germline.
Comment: This variant is present in population databases (rs13181, gnomAD 0.003%). In summary, the available evidence is currently insufficient to determine the role of this variant in disease. Therefore, it has been classified as a Variant of Uncertain Significance. Experimental studies and prediction algorithms are not available or were not evaluated, and the functional significance of this variant is currently unknown. This variant has not been reported in the literature in individuals affected with ERCC2-related conditions. This sequence change creates a premature translational stop signal (p.Lys751*) in the ERCC2 gene. While this is not anticipated to result in nonsense mediated decay, it is expected to disrupt the last 10 amino acid(s) of the ERCC2 protein.

NM_000400.4(ERCC2):c.2251A>T (p.Lys751Ter)

Gene: ERCC2 (ERCC excision repair 2, TFIIH core complex helicase subunit; minus strand). Cytogenetic location: 19q13.32.
Variant type: single nucleotide variant.
Coding change: c.2251A>T on transcript NM_000400.4 (MANE Select); coding-DNA position 2251, A replaced by T.
Protein change: p.Lys751Ter; replaces lysine 751 with a stop codon.
Molecular consequence: nonsense.
Genome position (GRCh38, 1-based): chr19:45,351,661, T>A on the plus strand (A>T on the coding strand, the complement: ERCC2 is on the minus strand). VCF-style: chr19-45351661-T-A. GRCh37 (hg19) VCF-style: chr19-45854919-T-A.
Other names: short protein forms K751*.
Identifiers: ClinVar variation 1396699 (VCV001396699.5), dbSNP rs13181, ClinGen allele CA9512800.